The following is an entry in ClinVar:

ClinVar aggregate classification (germline): Uncertain significance (1 of 4 stars; one submission).

Conditions:
Developmental and epileptic encephalopathy, 12 (DEE12). Identifiers: MedGen C3150988, MONDO:0013389, OMIM 613722.

Allele frequency attached by ClinVar (database versions not stated): gnomAD exomes below 0.00001; TOPMed below 0.00001; gnomAD 0.00001; ExAC 0.00002; ESP Exome Variant Server 0.00008.
gnomAD v4.1: 2 of 1,614,098 alleles (0.00012%); highest among the groups gnomAD compares: African/African-American, 0.0027%; no homozygotes.

Submission:

Labcorp Genetics (formerly Invitae), Labcorp
Classification: Uncertain significance for Developmental and epileptic encephalopathy, 12. Last evaluated: 2022-08-05. Review status: criteria provided, single submitter. Criteria: Invitae Variant Classification Sherloc (09022015). Collection method: clinical testing. Allele origin: germline.
Comment: In summary, the available evidence is currently insufficient to determine the role of this variant in disease. Therefore, it has been classified as a Variant of Uncertain Significance. Algorithms developed to predict the effect of missense changes on protein structure and function output the following: SIFT: "Tolerated"; PolyPhen-2: "Benign"; Align-GVGD: "Class C0". The serine amino acid residue is found in multiple mammalian species, which suggests that this missense change does not adversely affect protein function. This variant has not been reported in the literature in individuals affected with PNKP-related conditions. This variant is present in population databases (rs371008170, gnomAD 0.008%). This sequence change replaces asparagine, which is neutral and polar, with serine, which is neutral and polar, at codon 149 of the PNKP protein (p.Asn149Ser).

NM_007254.4(PNKP):c.446A>G (p.Asn149Ser)

Gene: PNKP (polynucleotide kinase 3'-phosphatase; minus strand). Cytogenetic location: 19q13.33.
Variant type: single nucleotide variant.
Coding change: c.446A>G on transcript NM_007254.4 (MANE Select); coding-DNA position 446, A replaced by G.
Protein change: p.Asn149Ser; replaces asparagine 149 with serine.
Molecular consequence: missense variant.
Genome position (GRCh38, 1-based): chr19:49,865,179, T>C on the plus strand (A>G on the coding strand, the complement: PNKP is on the minus strand). VCF-style: chr19-49865179-T-C. GRCh37 (hg19) VCF-style: chr19-50368436-T-C.
Other names: short protein forms N149S.
Identifiers: ClinVar variation 2194580 (VCV002194580.4), dbSNP rs371008170, ClinGen allele CA9586947.